The following is an entry in ClinVar:

NM_139276.3(STAT3):c.-23-1G>T

Gene: STAT3 (signal transducer and activator of transcription 3; minus strand). Cytogenetic location: 17q21.2.
Variant type: single nucleotide variant.
Coding change: c.-23-1G>T on transcript NM_139276.3 (MANE Select); the canonical splice acceptor site of the intron before 23 bases upstream of the start codon, G replaced by T.
Molecular consequence: splice acceptor variant. On other transcripts: intron variant (10).
Genome position (GRCh38, 1-based): chr17:42,348,540, C>A on the plus strand (G>T on the coding strand, the complement: STAT3 is on the minus strand). VCF-style: chr17-42348540-C-A. GRCh37 (hg19) VCF-style: chr17-40500558-C-A.
Other names: c.-1-23G>T (NM_001384989.1, NM_001384992.1, NM_001384984.1 and 4 more transcripts); c.-4-20G>T (NM_001369514.1, NM_001369518.1, NM_001369513.1); c.-23-1G>T (NM_001384985.1, NM_001384987.1, NM_001384991.1 and 7 more transcripts).
Identifiers: ClinVar variation 1711944 (VCV001711944.2), dbSNP rs1239325754, ClinGen allele CA772104761.

ClinVar aggregate classification (germline): Uncertain significance (1 of 4 stars; one submission).

Allele frequency attached by ClinVar (database versions not stated): TOPMed below 0.00001.

Submission:

GeneDx
Classification: Uncertain significance. Last evaluated: 2022-04-22. Review status: criteria provided, single submitter. Criteria: GeneDx Variant Classification Process June 2021. Collection method: clinical testing. Allele origin: germline. Affected: yes.
Comment: Not observed at significant frequency in large population cohorts (gnomAD); Canonical splice site variant in a gene or region of a gene for which loss of function is not a well-established mechanism of disease; Has not been previously published as pathogenic or benign to our knowledge